The following is an entry in ClinVar:

NM_016333.4(SRRM2):c.5741G>T (p.Arg1914Ile)

Gene: SRRM2 (serine/arginine repetitive matrix 2; plus strand). Cytogenetic location: 16p13.3.
Variant type: single nucleotide variant.
Coding change: c.5741G>T on transcript NM_016333.4 (MANE Select); coding-DNA position 5741, G replaced by T.
Protein change: p.Arg1914Ile; replaces arginine 1914 with isoleucine.
Molecular consequence: missense variant.
Genome position (GRCh38, 1-based): chr16:2,766,269, G>T. VCF-style: chr16-2766269-G-T. GRCh37 (hg19) VCF-style: chr16-2816270-G-T.
Other names: short protein forms R1914I.
Identifiers: ClinVar variation 4813463 (VCV004813463.1).

ClinVar aggregate classification (germline): Uncertain significance (1 of 4 stars; one submission).

Conditions:
Intellectual developmental disorder, autosomal dominant 72 (MRD72). Identifiers: Orphanet 652487, MedGen C5830612, MONDO:0957397, OMIM 620439.

Submission:

MVZ Praenatalmedizin und Genetik Nuernberg
Classification: Uncertain significance for Intellectual developmental disorder, autosomal dominant 72. Last evaluated: 2025-05-16. Review status: criteria provided, single submitter. Criteria: ACMG Guidelines, 2015. Collection method: clinical testing. Allele origin: germline. Affected: yes.
Comment: It was found most likely in cis configuration together with the possible pathogenic SRRM2 variant c.5074C>T (p.(Arg1692*)) in exon 11. The variant c.5741G>T has not yet been listed in the ClinVar database or described in the literature. There is no entry in the population-based database gnomADv4. In silico predictions yielded inconsistent but generally slightly pathogenic results (CADDphred: 24.90, GERP: 5.46, REVEL 0.205, alphaMissense 0.758). In general, only 1 SRRM2 missense variant has been annotated as likely pathogenic in ClinVar to date; the vast majority of all missense variants in this gene are listed in ClinVar as unclear. In summary, based on the current data, we believe this variant to be of unclear clinical significance (VUS).